The following is an entry in ClinVar:

NM_002253.4(KDR):c.2510-27del

Gene: KDR (kinase insert domain receptor; minus strand). Cytogenetic location: 4q12.
Variant type: Deletion.
Coding change: c.2510-27del on transcript NM_002253.4 (MANE Select); 27 bases into the intron before coding-DNA position 2510, one base deleted (T; older notation c.2510-27delT).
Molecular consequence: intron variant.
Genome position (GRCh38, 1-based): chr4:55,097,793, A deleted on the plus strand (T on the coding strand, the reverse complement: KDR is on the minus strand); the first of 4 consecutive A bases (chr4:55,097,793-55,097,796); deleting any one gives the same sequence. VCF-style (leftmost placement, unchanged base first): chr4-55097792-GA-G. GRCh37 (hg19) VCF-style: chr4-55963959-GA-G.
Other names: KT253185.
Identifiers: ClinVar variation 204332 (VCV000204332.3), dbSNP rs795902898, ClinGen allele CA251260.

ClinVar aggregate classification (germline): Uncertain significance (0 of 4 stars; one submission).

Conditions:
Carcinoma of colon (CRC). Also called: Colonic carcinoma; Colon carcinoma. Identifiers: MedGen C0699790, MONDO:0002032.

Submission:

Immunobiology Lab; University of Kashmir
Classification: Uncertain significance for Carcinoma of colon. Last evaluated: 2015-01-24. Review status: no assertion criteria provided. Collection method: case-control. Allele origin: somatic. Affected: yes. Study: Mutational Hotspot profiling of Tyrosine Kinase domain of VEGF receptors in Human colorectal tumors.
Comment: The variation(s) were confirmed by double pass sequencing of PCR products amplified from genomic DNA of colonic lesions fron colorectal patients